The following is an entry in ClinVar:

NM_004260.4(RECQL4):c.615del (p.Ala207fs)

Gene: RECQL4 (RecQ like helicase 4; minus strand). Cytogenetic location: 8q24.3.
Variant type: Deletion.
Coding change: c.615del on transcript NM_004260.4 (MANE Select); coding-DNA position 615, one base deleted (C; older notation c.615delC).
Protein change: p.Ala207fs; shifts the reading frame from alanine 207.
Molecular consequence: frameshift variant.
Genome position (GRCh38, 1-based): chr8:144,516,504, G deleted on the plus strand (C on the coding strand, the reverse complement: RECQL4 is on the minus strand); the first of 5 consecutive G bases (chr8:144,516,504-144,516,508); deleting any one gives the same sequence. VCF-style (leftmost placement, unchanged base first): chr8-144516503-TG-T. GRCh37 (hg19) VCF-style: chr8-145741887-TG-T.
Other names: short protein forms A207fs.
Identifiers: ClinVar variation 1450947 (VCV001450947.6), dbSNP rs1815033569, ClinGen allele CA2573142942.

ClinVar aggregate classification (germline): Pathogenic (1 of 4 stars; one submission).

Conditions:
Baller-Gerold syndrome (BGS). Also called: CRANIOSYNOSTOSIS WITH RADIAL DEFECTS. Identifiers: Orphanet 1225, MedGen C0265308, MONDO:0009039, OMIM 218600.

Submission:

Labcorp Genetics (formerly Invitae), Labcorp
Classification: Pathogenic for Baller-Gerold syndrome. Last evaluated: 2023-02-04. Review status: criteria provided, single submitter. Criteria: Invitae Variant Classification Sherloc (09022015). Collection method: clinical testing. Allele origin: germline.
Comment: This sequence change creates a premature translational stop signal (p.Ala207Profs*6) in the RECQL4 gene. It is expected to result in an absent or disrupted protein product. Loss-of-function variants in RECQL4 are known to be pathogenic (PMID: 12734318, 12952869). This variant is not present in population databases (gnomAD no frequency). This variant has not been reported in the literature in individuals affected with RECQL4-related conditions. ClinVar contains an entry for this variant (Variation ID: 1450947). For these reasons, this variant has been classified as Pathogenic.

Literature cited by the submitters: PubMed 12734318; PubMed 12952869.